The following is an entry in ClinVar:

NM_004629.2(FANCG):c.479C>T (p.Ala160Val)

Gene: FANCG (FA complementation group G; minus strand). Cytogenetic location: 9p13.3.
Variant type: single nucleotide variant.
Coding change: c.479C>T on transcript NM_004629.2 (MANE Select); coding-DNA position 479, C replaced by T.
Protein change: p.Ala160Val; replaces alanine 160 with valine.
Molecular consequence: missense variant.
Genome position (GRCh38, 1-based): chr9:35,078,172, G>A on the plus strand (C>T on the coding strand, the complement: FANCG is on the minus strand). VCF-style: chr9-35078172-G-A. GRCh37 (hg19) VCF-style: chr9-35078169-G-A.
Other names: short protein forms A160V.
Identifiers: ClinVar variation 4022495 (VCV004022495.1).

ClinVar aggregate classification (germline): Uncertain significance (1 of 4 stars; one submission).

Conditions:
Inborn genetic diseases. Identifiers: MedGen C0950123, MeSH D030342.

Submission:

Ambry Genetics
Classification: Uncertain significance for Inborn genetic diseases. Last evaluated: 2025-04-19. Review status: criteria provided, single submitter. Criteria: Ambry Variant Classification Scheme 2023. Collection method: clinical testing. Allele origin: germline.
Comment: The p.A160V variant (also known as c.479C>T), located in coding exon 4 of the FANCG gene, results from a C to T substitution at nucleotide position 479. The alanine at codon 160 is replaced by valine, an amino acid with similar properties. This amino acid position is conserved. In addition, this alteration is predicted to be tolerated by in silico analysis. Based on the available evidence, the clinical significance of this variant remains unclear.